The following is an entry in ClinVar:

NM_003784.4(SERPINB7):c.827T>C (p.Phe276Ser)

Gene: SERPINB7 (serpin family B member 7; plus strand). Cytogenetic location: 18q21.33.
Variant type: single nucleotide variant.
Coding change: c.827T>C on transcript NM_003784.4 (MANE Select); coding-DNA position 827, T replaced by C.
Protein change: p.Phe276Ser; replaces phenylalanine 276 with serine.
Molecular consequence: missense variant.
Genome position (GRCh38, 1-based): chr18:63,804,319, T>C. VCF-style: chr18-63804319-T-C. GRCh37 (hg19) VCF-style: chr18-61471553-T-C.
Other names: c.827T>C, p.Phe276Ser (NM_001040147.3, NM_001261830.2); c.776T>C, p.Phe259Ser (NM_001261831.2); short protein forms F259S, F276S.
Identifiers: ClinVar variation 5018785 (VCV005018785.2).

ClinVar aggregate classification (germline): Uncertain significance (1 of 4 stars; one submission).

Conditions:
Palmoplantar keratoderma, Nagashima type. Identifiers: Orphanet 140966, MedGen C3810072, MONDO:0014272, OMIM 615598.

gnomAD v4.1: 1 of 1,613,036 alleles (0.000062%); highest among the groups gnomAD compares: East Asian, 0.0022%; no homozygotes.

Submission:

Juno Genomics, Hangzhou Juno Genomics, Inc
Classification: Uncertain significance for Palmoplantar keratoderma, Nagashima type. Review status: criteria provided, single submitter. Criteria: ACMG Guidelines, 2015. Collection method: clinical testing. Allele origin: germline.
Comment: Absent from controls (or at extremely low frequency if recessive) in Genome Aggregation Database.;For recessive disorders, detected in trans with a pathogenic variant.;Patient's phenotype or family history is highly specific for a disease with a single genetic etiology.